The following is an entry in ClinVar:

NM_004385.5(VCAN):c.1400C>T (p.Ser467Phe)

Gene: VCAN (versican; plus strand). Cytogenetic location: 5q14.3.
Variant type: single nucleotide variant.
Coding change: c.1400C>T on transcript NM_004385.5 (MANE Select); coding-DNA position 1400, C replaced by T.
Protein change: p.Ser467Phe; replaces serine 467 with phenylalanine.
Molecular consequence: missense variant. On other transcripts: intron variant (2).
Genome position (GRCh38, 1-based): chr5:83,519,706, C>T. VCF-style: chr5-83519706-C-T. GRCh37 (hg19) VCF-style: chr5-82815525-C-T.
Other names: c.1400C>T, p.Ser467Phe (NM_001164098.2); c.1042+7310C>T (NM_001164097.2, NM_001126336.3); c.1400C>T (NM_004385.4); short protein forms S467F.
Identifiers: ClinVar variation 1167698 (VCV001167698.15), dbSNP rs115336789, ClinGen allele CA3332666.

ClinVar aggregate classification (germline): Benign/Likely benign. Review status: criteria provided, multiple submitters, no conflicts (2 of 4 stars). 5 submissions from 5 submitters: Benign (1); Likely benign (1). 3 of the submissions do not count toward it. Last evaluated 2025-12-26.

Conditions:
VCAN-related disorder. Also called: VCAN-related condition.

Allele frequency attached by ClinVar (database versions not stated): ESP Exome Variant Server 0.00123; TOPMed 0.00153; 1000 Genomes Project 30x 0.00172; 1000 Genomes Project 0.00180.
gnomAD v4.1: 398 of 1,614,122 alleles (0.025%); highest among the groups gnomAD compares: African/African-American, 0.48%; 2 homozygotes.

Submissions (5):

Labcorp Genetics (formerly Invitae), Labcorp
Classification: Benign. Last evaluated: 2025-12-26. Review status: criteria provided, single submitter. Criteria: Invitae Variant Classification Sherloc (09022015). Collection method: clinical testing. Allele origin: germline.

Blueprint Genetics
Classification: Likely benign. Last evaluated: 2024-08-30. Review status: criteria provided, single submitter. Criteria: ACMG Guidelines, 2015. Collection method: clinical testing. Allele origin: germline.

PreventionGenetics, part of Exact Sciences
Classification: Benign for VCAN-related condition. Last evaluated: 2019-06-03. Review status: no assertion criteria provided. Collection method: clinical testing. Allele origin: germline. Not counted in ClinVar's aggregate classification.
Comment: This variant is classified as benign based on ACMG/AMP sequence variant interpretation guidelines (Richards et al. 2015 PMID: 25741868, with internal and published modifications).

Clinical Genetics DNA and cytogenetics Diagnostics Lab, Erasmus MC, Erasmus Medical Center
Classification: Likely benign. Review status: no assertion criteria provided. Collection method: clinical testing. Allele origin: germline. Affected: yes. Study: VKGL Data-share Consensus. Not counted in ClinVar's aggregate classification.

Clinical Genetics, Academic Medical Center
Classification: Benign. Review status: no assertion criteria provided. Collection method: clinical testing. Allele origin: germline. Affected: yes. Study: VKGL Data-share Consensus. Not counted in ClinVar's aggregate classification.